The following is an entry in ClinVar:

ClinVar aggregate classification (germline): Likely benign (1 of 4 stars; one submission).

gnomAD v4.1: 1 of 1,613,732 alleles (0.000062%); no homozygotes.

Submission:

CeGaT Center for Human Genetics Tuebingen
Classification: Likely benign. Last evaluated: 2024-11-01. Review status: criteria provided, single submitter. Criteria: CeGaT Center For Human Genetics Tuebingen Variant Classification Criteria Version 2. Collection method: clinical testing. Allele origin: germline. Affected: yes. Observed: 1 variant allele.
Comment: LAMA2: BP4, BP7

NM_000426.4(LAMA2):c.8928T>A (p.Val2976=)

Gene: LAMA2 (laminin subunit alpha 2; plus strand). Cytogenetic location: 6q22.33.
Variant type: single nucleotide variant.
Coding change: c.8928T>A on transcript NM_000426.4 (MANE Select); coding-DNA position 8928, T replaced by A.
Protein change: p.Val2976=; no amino-acid change (valine 2976 retained).
Molecular consequence: synonymous variant.
Genome position (GRCh38, 1-based): chr6:129,512,433, T>A. VCF-style: chr6-129512433-T-A. GRCh37 (hg19) VCF-style: chr6-129833578-T-A.
Other names: c.8916T>A, p.Val2972= (NM_001079823.2).
Identifiers: ClinVar variation 3390276 (VCV003390276.14).